The following is an entry in ClinVar:

NM_002878.4(RAD51D):c.24G>C (p.Leu8=)

Genes: RAD51L3-RFFL (RAD51L3-RFFL readthrough; minus strand), RAD51D (RAD51 paralog D; minus strand). Cytogenetic location: 17q12.
Variant type: single nucleotide variant.
Coding change: c.24G>C on transcript NM_002878.4 (MANE Select); coding-DNA position 24, G replaced by C.
Protein change: p.Leu8=; no amino-acid change (leucine 8 retained).
Molecular consequence: synonymous variant. On other transcripts: non-coding transcript variant (2).
Genome position (GRCh38, 1-based): chr17:35,119,590, C>G on the plus strand (G>C on the coding strand, the complement: RAD51D is on the minus strand). VCF-style: chr17-35119590-C-G. GRCh37 (hg19) VCF-style: chr17-33446609-C-G.
Other names: c.24G>C, p.Leu8= (NM_001142571.2, NM_133629.3).
Identifiers: ClinVar variation 3429743 (VCV003429743.2).
Genomic context (GRCh38, chr17:35,119,590, plus strand): 5'-ACCTGTCTTGATCCTGTGGCTCCTGAGAAGCTGGATCATCTCCTCGGTAAGGCCAGGGCA[C>G]AGTCCGACCCTGAGCACGCCCATGTTCCCCGCAGGCCGGAACAGCCCCAGGGGGACTGCA-3'
Protein context (NP_002869.3, residues 1-18): MGVLRVG[Leu8=]CPGLTEEMIQ

ClinVar aggregate classification (germline): Benign/Likely benign. Review status: criteria provided, multiple submitters, no conflicts (2 of 4 stars). 2 submissions from 2 submitters: Benign (1); Likely benign (1). Last evaluated 2025-02-19.

Conditions:
Hereditary cancer-predisposing syndrome. Also called: Neoplastic Syndromes, Hereditary; Tumor predisposition; Hereditary Cancer Syndrome; Hereditary neoplastic syndrome. Identifiers: Orphanet 140162, MedGen C0027672, MeSH D009386, MONDO:0015356.
Breast-ovarian cancer, familial, susceptibility to, 4. Identifiers: Orphanet 145, MedGen C3280345, MONDO:0013669, OMIM 614291.

Submissions (2):

Myriad Genetics, Inc.
Classification: Benign for Breast-ovarian cancer, familial, susceptibility to, 4. Last evaluated: 2025-02-19. Review status: criteria provided, single submitter. Criteria: Myriad Autosomal Dominant, Autosomal Recessive and X-Linked Classification Criteria (2023). Collection method: clinical testing. Allele origin: unknown.
Comment: This variant is considered benign. This variant is a silent/synonymous amino acid change and it is not expected to impact splicing.

Ambry Genetics
Classification: Likely benign for Hereditary cancer-predisposing syndrome. Last evaluated: 2024-07-09. Review status: criteria provided, single submitter. Criteria: Ambry Variant Classification Scheme 2023. Collection method: clinical testing. Allele origin: germline.